The following is an entry in ClinVar:

NM_007294.4(BRCA1):c.5477A>T (p.Gln1826Leu)

Gene: BRCA1 (BRCA1 DNA repair associated; minus strand). Cytogenetic location: 17q21.31.
Variant type: single nucleotide variant.
Coding change: c.5477A>T on transcript NM_007294.4 (MANE Select); coding-DNA position 5477, A replaced by T.
Protein change: p.Gln1826Leu; replaces glutamine 1826 with leucine.
Molecular consequence: missense variant. On other transcripts: synonymous variant (17).
Genome position (GRCh38, 1-based): chr17:43,045,793, T>A on the plus strand (A>T on the coding strand, the complement: BRCA1 is on the minus strand). VCF-style: chr17-43045793-T-A. GRCh37 (hg19) VCF-style: chr17-41197810-T-A.
Other names: p.Q1826L:CAG>CTG; c.5264A>T, p.Gln1755Leu (NM_001407571.1, NM_001407894.1, NM_001407895.1 and 12 more transcripts); c.5543A>T, p.Gln1848Leu (NM_001407581.1, NM_001407582.1); c.5540A>T, p.Gln1847Leu (NM_001407583.1, NM_001407585.1, NM_001407587.1 and 1 more transcripts); c.5537A>T, p.Gln1846Leu (NM_001407590.1, NM_001407591.1); c.5477A>T, p.Gln1826Leu (NM_001407593.1, NM_001407594.1, NM_001407596.1 and 5 more transcripts); c.5474A>T, p.Gln1825Leu (NM_001407610.1, NM_001407611.1, NM_001407612.1 and 14 more transcripts); c.5471A>T, p.Gln1824Leu (NM_001407627.1, NM_001407628.1, NM_001407629.1 and 13 more transcripts); and 84 more; short protein forms Q1826L, Q1847L, Q1779L, Q722L, Q1530L, Q1657L, Q1714L, Q1738L.
Identifiers: ClinVar variation 182170 (VCV000182170.20), dbSNP rs730881499, ClinGen allele CA003640.

ClinVar aggregate classification (germline): Conflicting classifications of pathogenicity. Review status: criteria provided, conflicting classifications (1 of 4 stars). 6 submissions from 6 submitters: Uncertain significance (2); Likely benign (3). 1 of the submissions does not count toward it. Last evaluated 2026-05-05.

Conditions:
Hereditary breast ovarian cancer syndrome. Also called: Hereditary breast and ovarian cancer syndrome; Hereditary breast and ovarian cancer syndrome (HBOC); BRCA1- and BRCA2-Associated Hereditary Breast and Ovarian Cancer; Breast and ovarian cancer; Hereditary breast and ovarian cancer; Hereditary breast and/or ovarian cancer syndrome. Identifiers: Orphanet 145, MedGen C0677776, MeSH D061325, MONDO:0003582. Disease mechanism: loss of function.
Hereditary cancer-predisposing syndrome. Also called: Hereditary Cancer Syndrome; Hereditary neoplastic syndrome; Tumor predisposition; Neoplastic Syndromes, Hereditary. Identifiers: Orphanet 140162, MedGen C0027672, MeSH D009386, MONDO:0015356.
Breast-ovarian cancer, familial, susceptibility to, 1 (BROVCA1). Also called: OVARIAN CANCER, SUSCEPTIBILITY TO; BRCA1 Hereditary Breast and Ovarian Cancer. Identifiers: Orphanet 145, MedGen C2676676, MONDO:0011450, OMIM 604370. Disease mechanism: loss of function.

Allele frequency attached by ClinVar (database versions not stated): gnomAD 0.00001; ExAC 0.00002; gnomAD exomes 0.00002 and 0.00003.
gnomAD v4.1: 22 of 1,614,020 alleles (0.0014%); no homozygotes.

Submissions (7):

Women's Health and Genetics/Laboratory Corporation of America, LabCorp
Classification: Likely benign. Last evaluated: 2026-05-05. Review status: criteria provided, single submitter. Criteria: LabCorp Variant Classification Summary - May 2015. Collection method: clinical testing. Allele origin: germline.
Comment: Variant summary: BRCA1 c.5477A>T (p.Gln1826Leu) results in a non-conservative amino acid change in the encoded protein sequence. The variant allele was found at a frequency of 2.4e-05 in 250820 control chromosomes. The available data on variant occurrences in the general population are insufficient to allow any conclusion about variant significance. c.5477A>T has been characterized as a Likely Benign variant based on multifactorial likelihood quantitative analysis (Parsons_2019). These report(s) do not provide unequivocal conclusions about association of the variant with Hereditary Breast And Ovarian Cancer Syndrome. At least one functional study reports experimental evidence evaluating an impact on protein function and showed no damaging effect of this variant on homology directed repair (HDR) activity (e.g. Findlay_2018). HDR assays qualify as a recognized gold standard on the basis of updated guidance provided by the ClinGen Sequence Variant Interpretation (SVI) working group. It was also found to have neutral functional impacts in vitro in another study (Langerud_2018). The following publications have been ascertained in the context of this evaluation (PMID: 30458859, 31131967, 30209399, 37060015, 36171434, 34981296). ClinVar contains an entry for this variant (Variation ID: 182170). Based on the evidence outlined above, the variant was classified as likely benign.

Labcorp Genetics (formerly Invitae), Labcorp
Classification: Likely benign for Hereditary breast ovarian cancer syndrome. Last evaluated: 2024-08-22. Review status: criteria provided, single submitter. Criteria: Invitae Variant Classification Sherloc (09022015). Collection method: clinical testing. Allele origin: germline.

Ambry Genetics
Classification: Likely benign for Hereditary cancer-predisposing syndrome. Last evaluated: 2022-10-04. Review status: criteria provided, single submitter. Criteria: Ambry Variant Classification Scheme 2023. Collection method: clinical testing. Allele origin: germline.

Blueprint Genetics
Classification: Uncertain significance. Last evaluated: 2020-04-17. Review status: criteria provided, single submitter. Criteria: ACMG Guidelines, 2015. Collection method: clinical testing. Allele origin: germline.

GeneDx
Classification: Uncertain significance. Last evaluated: 2014-03-26. Review status: criteria provided, single submitter. Criteria: GeneDx Variant Classification (06012015). Collection method: clinical testing. Allele origin: germline. Affected: yes.
Comment: This variant is denoted BRCA1 c.5477A>T at the cDNA level, p.Gln1826Leu (Q1826L) at the protein level, and results in the change of a Glutamine to a Leucine (CAG>CTG). This variant has not, to our knowledge, been published in the literature as pathogenic or benign. BRCA1 Gln1826Leu was not observed in approximately 6,500 individuals of European and African American ancestry in the NHLBI Exome Sequencing Project, indicating it is not a common benign variant in these populations. Since Glutamine and Leucine differ in polarity, charge, size or other properties, this is considered a non-conservative amino acid substitution and is likely to affect protein integrity. BRCA1 Gln1826Leu occurs at a position that is well conserved across species and is located in the BRCT2 domain (UniProt). In silico analyses predict that this variant is unlikely to alter protein structure or function. Based on currently available information, it is unclear whether BRCA1 Gln1826Leu is pathogenic or benign. We consider it to be a variant of uncertain significance.

BRCAlab, Lund University
Classification: Likely benign for Breast-ovarian cancer, familial, susceptibility to, 1. Last evaluated: 2020-03-02. Review status: no assertion criteria provided. Collection method: clinical testing. Allele origin: germline. Affected: yes. Not counted in ClinVar's aggregate classification.

Brotman Baty Institute, University of Washington
No classification provided (evidence only). Condition: Breast-ovarian cancer, familial 1. Review status: no classification provided. Collection method: in vitro. Allele origin: not applicable. Functional consequence: functionally_normal. Not counted in ClinVar's aggregate classification.
ClinVar note: "not provided" was previously submitted as the classification for the variant. However, the classification appeared to be based only on an observation of functional data so it was converted to no classification on 2025-07-30.

Literature cited by the submitters: PubMed 30209399 (cited by Women's Health and Genetics/Laboratory Corporation of America, LabCorp and Ambry Genetics); PubMed 30458859 (cited by Women's Health and Genetics/Laboratory Corporation of America, LabCorp and Ambry Genetics); PubMed 31131967 (cited by Women's Health and Genetics/Laboratory Corporation of America, LabCorp); PubMed 34981296 (cited by Women's Health and Genetics/Laboratory Corporation of America, LabCorp); PubMed 36171434 (cited by Women's Health and Genetics/Laboratory Corporation of America, LabCorp); PubMed 37060015 (cited by Women's Health and Genetics/Laboratory Corporation of America, LabCorp).